The following is an entry in ClinVar:

NM_004655.4(AXIN2):c.2448G>A (p.Ala816=)

Gene: AXIN2 (axin 2; minus strand). Cytogenetic location: 17q24.1.
Variant type: single nucleotide variant.
Coding change: c.2448G>A on transcript NM_004655.4 (MANE Select); coding-DNA position 2448, G replaced by A.
Protein change: p.Ala816=; no amino-acid change (alanine 816 retained).
Molecular consequence: synonymous variant.
Genome position (GRCh38, 1-based): chr17:65,530,060, C>T on the plus strand (G>A on the coding strand, the complement: AXIN2 is on the minus strand). VCF-style: chr17-65530060-C-T. GRCh37 (hg19) VCF-style: chr17-63526178-C-T.
Other names: c.2448G>A (LRG_296t1); c.2253G>A, p.Ala751= (NM_001363813.1).
Identifiers: ClinVar variation 533200 (VCV000533200.15), dbSNP rs752357462, ClinGen allele CA8718285.

ClinVar aggregate classification (germline): Benign/Likely benign. Review status: criteria provided, multiple submitters, no conflicts (2 of 4 stars). 4 submissions from 4 submitters: Benign (1); Likely benign (3). Last evaluated 2026-01-06.

Conditions:
Hereditary cancer-predisposing syndrome. Also called: Hereditary neoplastic syndrome; Tumor predisposition; Neoplastic Syndromes, Hereditary; Hereditary Cancer Syndrome. Identifiers: Orphanet 140162, MedGen C0027672, MeSH D009386, MONDO:0015356.
Oligodontia-cancer predisposition syndrome. Also called: TOOTH AGENESIS-COLORECTAL CANCER SYNDROME. Identifiers: Orphanet 300576, MedGen C1837750, MONDO:0012075, OMIM 608615. Disease mechanism: loss of function.

Allele frequency attached by ClinVar (database versions not stated): gnomAD 0.00001; gnomAD exomes 0.00001; ExAC 0.00002; TOPMed 0.00002.
gnomAD v4.1: 12 of 1,614,034 alleles (0.00074%); highest among the groups gnomAD compares: East Asian, 0.0022%; no homozygotes.

Submissions (4):

Labcorp Genetics (formerly Invitae), Labcorp
Classification: Likely benign for Oligodontia-cancer predisposition syndrome. Last evaluated: 2026-01-06. Review status: criteria provided, single submitter. Criteria: Invitae Variant Classification Sherloc (09022015). Collection method: clinical testing. Allele origin: germline.

Myriad Genetics, Inc.
Classification: Benign for Oligodontia-cancer predisposition syndrome. Last evaluated: 2024-07-11. Review status: criteria provided, single submitter. Criteria: Myriad Autosomal Dominant, Autosomal Recessive and X-Linked Classification Criteria (2023). Collection method: clinical testing. Allele origin: unknown.
Comment: This variant is considered benign. This variant is a silent/synonymous amino acid change and it is not expected to impact splicing.

Blueprint Genetics
Classification: Likely benign. Last evaluated: 2022-11-17. Review status: criteria provided, single submitter. Criteria: ACMG Guidelines, 2015. Collection method: clinical testing. Allele origin: germline.

Ambry Genetics
Classification: Likely benign for Hereditary cancer-predisposing syndrome. Last evaluated: 2019-09-28. Review status: criteria provided, single submitter. Criteria: Ambry Variant Classification Scheme 2023. Collection method: clinical testing. Allele origin: germline.